The following is an entry in ClinVar:

ClinVar aggregate classification (germline): Uncertain significance (1 of 4 stars; one submission).

Submission:

GeneDx
Classification: Uncertain significance. Last evaluated: 2025-05-02. Review status: criteria provided, single submitter. Criteria: GeneDx Variant Classification Process June 2021. Collection method: clinical testing. Allele origin: germline. Affected: yes.
Comment: Not observed at significant frequency in large population cohorts (gnomAD); In silico analysis supports that this missense variant has a deleterious effect on protein structure/function; Has not been previously published as pathogenic or benign to our knowledge

NM_006265.3(RAD21):c.1629T>G (p.Asp543Glu)

Gene: RAD21 (RAD21 cohesin complex component; minus strand). Cytogenetic location: 8q24.11.
Variant type: single nucleotide variant.
Coding change: c.1629T>G on transcript NM_006265.3 (MANE Select); coding-DNA position 1629, T replaced by G.
Protein change: p.Asp543Glu; replaces aspartic acid 543 with glutamic acid.
Molecular consequence: missense variant.
Genome position (GRCh38, 1-based): chr8:116,849,021, A>C on the plus strand (T>G on the coding strand, the complement: RAD21 is on the minus strand). VCF-style: chr8-116849021-A-C. GRCh37 (hg19) VCF-style: chr8-117861260-A-C.
Other names: short protein forms D543E.
Identifiers: ClinVar variation 4528051 (VCV004528051.1).